The following is an entry in ClinVar:

NM_000090.4(COL3A1):c.2867G>C (p.Arg956Pro)

Gene: COL3A1 (collagen type III alpha 1 chain; plus strand). Cytogenetic location: 2q32.2.
Variant type: single nucleotide variant.
Coding change: c.2867G>C on transcript NM_000090.4 (MANE Select); coding-DNA position 2867, G replaced by C.
Protein change: p.Arg956Pro; replaces arginine 956 with proline.
Molecular consequence: missense variant.
Genome position (GRCh38, 1-based): chr2:189,004,300, G>C. VCF-style: chr2-189004300-G-C. GRCh37 (hg19) VCF-style: chr2-189869026-G-C.
Other names: short protein forms R956P.
Identifiers: ClinVar variation 3072095 (VCV003072095.1), dbSNP rs2469154176, ClinGen allele CA349844541.

ClinVar aggregate classification (germline): Uncertain significance (1 of 4 stars; one submission).

Conditions:
Ehlers-Danlos syndrome, type 4 (EDSVASC). Also called: Ehlers-Danlos Syndrome Type IV; Ehlers-Danlos syndrome vascular type; Ehlers Danlos syndrome, ecchymotic type; Ehlers Danlos syndrome, arterial type; Ehlers Danlos syndrome, Sack-Barabas type. Identifiers: Orphanet 286, MedGen C0268338, MONDO:0017314, OMIM 130050.

gnomAD v4.1: 1 of 1,607,982 alleles (0.000062%); highest among the groups gnomAD compares: South Asian, 0.0011%; no homozygotes.

Submission:

All of Us Research Program, National Institutes of Health
Classification: Uncertain significance for Ehlers-Danlos syndrome, type 4. Last evaluated: 2023-06-28. Review status: criteria provided, single submitter. Criteria: ACMG Guidelines, 2015. Collection method: clinical testing. Allele origin: germline. Inheritance: Autosomal dominant inheritance. Observed: 1 variant allele, 1 heterozygote.
Comment: This study involves interpretation of variants in research participants for the purpose of population health screening. Participant phenotype was not available at the time of variant classification. Additional details can be found in publication PMID: 35346344, PMCID: PMC8962531